The following is an entry in ClinVar:

ClinVar aggregate classification (germline): Uncertain significance (1 of 4 stars; one submission).

Allele frequency attached by ClinVar (database versions not stated): gnomAD 0.00002; gnomAD exomes 0.00002; TOPMed 0.00003; ExAC 0.00005.
gnomAD v4.1: 39 of 1,611,866 alleles (0.0024%); highest among the groups gnomAD compares: East Asian, 0.033%; no homozygotes.

Submission:

Labcorp Genetics (formerly Invitae), Labcorp
Classification: Uncertain significance. Last evaluated: 2022-08-22. Review status: criteria provided, single submitter. Criteria: Invitae Variant Classification Sherloc (09022015). Collection method: clinical testing. Allele origin: germline.
Comment: This sequence change replaces valine, which is neutral and non-polar, with methionine, which is neutral and non-polar, at codon 1960 of the MYO18B protein (p.Val1960Met). This variant is present in population databases (rs776608247, gnomAD 0.06%). This variant has not been reported in the literature in individuals affected with MYO18B-related conditions. Algorithms developed to predict the effect of missense changes on protein structure and function are either unavailable or do not agree on the potential impact of this missense change (SIFT: "Not Available"; PolyPhen-2: "Possibly Damaging"; Align-GVGD: "Not Available"). In summary, the available evidence is currently insufficient to determine the role of this variant in disease. Therefore, it has been classified as a Variant of Uncertain Significance.

NM_032608.7(MYO18B):c.5878G>A (p.Val1960Met)

Gene: MYO18B (myosin XVIIIB; plus strand). Cytogenetic location: 22q12.1.
Variant type: single nucleotide variant.
Coding change: c.5878G>A on transcript NM_032608.7 (MANE Select); coding-DNA position 5878, G replaced by A.
Protein change: p.Val1960Met; replaces valine 1960 with methionine.
Molecular consequence: missense variant.
Genome position (GRCh38, 1-based): chr22:25,952,331, G>A. VCF-style: chr22-25952331-G-A. GRCh37 (hg19) VCF-style: chr22-26348297-G-A.
Other names: c.5881G>A, p.Val1961Met (NM_001318245.2); short protein forms V1960M, V1961M.
Identifiers: ClinVar variation 2069919 (VCV002069919.1), dbSNP rs776608247, ClinGen allele CA10161317.
Genomic context (GRCh38, chr22:25,952,331, plus strand): 5'-CTCTCATACTTACAGCTGCAGGTGGCTCAGATGCGCATCGAGTACCTGGAACAGTCCACC[G>A]TGGATCGAGCCATCGTCAGCAGGCAGGAGGCGGTCATCTGTGACCTAGAGAACAAGACAG-3'
Protein context (NP_115997.5, residues 1950-1970): MRIEYLEQST[Val1960Met]DRAIVSRQEA